The following is an entry in ClinVar:

NM_015141.4(GPD1L):c.47+1G>A

Genes: GPD1L (glycerol-3-phosphate dehydrogenase 1 like; plus strand), LOC129936414 (ATAC-STARR-seq lymphoblastoid silent region 14165; plus strand). Cytogenetic location: 3p22.3.
Variant type: single nucleotide variant.
Coding change: c.47+1G>A on transcript NM_015141.4 (MANE Select); the canonical splice donor site of the intron after coding-DNA position 47, G replaced by A.
Molecular consequence: splice donor variant.
Genome position (GRCh38, 1-based): chr3:32,106,759, G>A. VCF-style: chr3-32106759-G-A. GRCh37 (hg19) VCF-style: chr3-32148251-G-A.
Identifiers: ClinVar variation 1429490 (VCV001429490.9), dbSNP rs1221530760, ClinGen allele CA351970299.

ClinVar aggregate classification (germline): Uncertain significance. Review status: criteria provided, multiple submitters, no conflicts (2 of 4 stars). 2 submissions from 2 submitters: Uncertain significance (2). Last evaluated 2024-07-06.

Conditions:
Cardiovascular phenotype. Identifiers: MedGen CN230736.
Brugada syndrome. Also called: Sudden unexpected nocturnal death syndrome; Sudden Unexplained Death Syndrome; Sudden Unexplained Nocturnal Death Syndrome (SUNDS); Sudden unexplained nocturnal death syndrome. Identifiers: Orphanet 130, MedGen C1142166, MONDO:0015263.

Allele frequency attached by ClinVar (database versions not stated): TOPMed below 0.00001; gnomAD 0.00001.
gnomAD v4.1: 15 of 1,559,940 alleles (0.00096%); highest among the groups gnomAD compares: Non-Finnish European, 0.0013%; no homozygotes.

Submissions (2):

Labcorp Genetics (formerly Invitae), Labcorp
Classification: Uncertain significance for Brugada syndrome. Last evaluated: 2024-07-06. Review status: criteria provided, single submitter. Criteria: Invitae Variant Classification Sherloc (09022015). Collection method: clinical testing. Allele origin: germline.
Comment: This sequence change affects a donor splice site in intron 1 of the GPD1L gene. It is expected to disrupt RNA splicing. Variants that disrupt the donor or acceptor splice site typically lead to a loss of protein function (PMID: 16199547), however the current clinical and genetic evidence is not sufficient to establish whether loss-of-function variants in GPD1L cause disease. The frequency data for this variant in the population databases is considered unreliable, as metrics indicate poor data quality at this position in the gnomAD database. This variant has not been reported in the literature in individuals affected with GPD1L-related conditions. ClinVar contains an entry for this variant (Variation ID: 1429490). Algorithms developed to predict the effect of sequence changes on RNA splicing suggest that this variant may disrupt the consensus splice site. In summary, the available evidence is currently insufficient to determine the role of this variant in disease. Therefore, it has been classified as a Variant of Uncertain Significance.

Ambry Genetics
Classification: Uncertain significance for Cardiovascular phenotype. Last evaluated: 2023-03-13. Review status: criteria provided, single submitter. Criteria: Ambry Variant Classification Scheme 2023. Collection method: clinical testing. Allele origin: germline.
Comment: The c.47+1G>A intronic variant results from a G to A substitution one nucleotide after coding exon 1 of the GPD1L gene. This nucleotide position is highly conserved in available vertebrate species. In silico splice site analysis predicts that this alteration will weaken the native splice donor site. Alterations that disrupt the canonical splice site are expected to cause aberrant splicing, resulting in an abnormal protein or a transcript that is subject to nonsense-mediated mRNA decay. However, loss of function of GPD1L has not been established as a mechanism of disease. The evidence for this gene-disease relationship is limited; therefore, the clinical significance of this alteration is unclear.

Literature cited by the submitters: PubMed 16199547 (cited by Labcorp Genetics (formerly Invitae), Labcorp).